The following is an entry in ClinVar:

NM_012280.4(FTSJ1):c.776A>C (p.Glu259Ala)

Gene: FTSJ1 (FtsJ RNA 2'-O-methyltransferase 1; plus strand). Cytogenetic location: Xp11.23.
Variant type: single nucleotide variant.
Coding change: c.776A>C on transcript NM_012280.4 (MANE Select); coding-DNA position 776, A replaced by C.
Protein change: p.Glu259Ala; replaces glutamic acid 259 with alanine.
Molecular consequence: missense variant.
Genome position (GRCh38, 1-based): chrX:48,482,613, A>C. VCF-style: chrX-48482613-A-C. GRCh37 (hg19) VCF-style: chrX-48341001-A-C.
Other names: c.365A>C, p.Glu122Ala (NM_001282157.2); c.776A>C, p.Glu259Ala (NM_001441195.1, NM_001441197.1, NM_001441198.1); c.770A>C, p.Glu257Ala (NM_001441196.1, NM_001441199.1, NM_001441200.1 and 1 more transcripts); short protein forms E122A, E257A, E259A.
Identifiers: ClinVar variation 4873425 (VCV004873425.2).

ClinVar aggregate classification (germline): Likely benign (1 of 4 stars; one submission).

Submission:

CeGaT Center for Human Genetics Tuebingen
Classification: Likely benign. Last evaluated: 2026-05-01. Review status: criteria provided, single submitter. Criteria: CeGaT Center For Human Genetics Tuebingen Variant Classification Criteria Version 2. Collection method: clinical testing. Allele origin: germline. Affected: yes. Observed: 1 variant allele.
Comment: FTSJ1: BS2